The following is an entry in ClinVar:

NM_001754.5(RUNX1):c.1062C>G (p.Thr354=)

Gene: RUNX1 (RUNX family transcription factor 1; minus strand). Cytogenetic location: 21q22.12.
Variant type: single nucleotide variant.
Coding change: c.1062C>G on transcript NM_001754.5 (MANE Select); coding-DNA position 1062, C replaced by G.
Protein change: p.Thr354=; no amino-acid change (threonine 354 retained).
Molecular consequence: synonymous variant.
Genome position (GRCh38, 1-based): chr21:34,792,516, G>C on the plus strand (C>G on the coding strand, the complement: RUNX1 is on the minus strand). VCF-style: chr21-34792516-G-C. GRCh37 (hg19) VCF-style: chr21-36164813-G-C.
Other names: NM_001754.5(RUNX1):c.1062C>G; p.Thr354=; c.981C>G, p.Thr327= (NM_001001890.3); c.1062C>G (NM_001754.4).
Identifiers: ClinVar variation 1165599 (VCV001165599.12), dbSNP rs748629722, ClinGen allele CA10014213.
Genomic context (GRCh38, chr21:34,792,516, plus strand): 5'-GGCCGAGCCCATGGCCGACATGCCGATGCCGATGCCCGAGGTGACCGGCGTCGGGGAGTA[G>C]GTGAAGGCGCCTGGATAGTGCATGCGGGGGTCGGAGATGGAGGGCAGCGCGGGGAACTGG-3'
Protein context (NP_001745.2, residues 344-364): DPRMHYPGAF[Thr354=]YSPTPVTSGI

ClinVar aggregate classification (germline): Uncertain significance. Review status: reviewed by expert panel (3 of 4 stars). 4 submissions from 4 submitters: Uncertain significance (1). 3 of the submissions do not count toward it. Last evaluated 2022-07-07.

Conditions:
Inborn genetic diseases. Identifiers: MedGen C0950123, MeSH D030342.
Hereditary thrombocytopenia and hematologic cancer predisposition syndrome. Identifiers: Orphanet 71290, MedGen CN281654, MONDO:0011071.
Hereditary thrombocytopenia and hematological cancer predisposition syndrome associated with RUNX1. Also called: Familial Platelet Disorder with Propensity to Acute Myelogenous Leukemia; Familial thrombocytopenia with propensity to acute myelogenous leukemia; PLATELET DISORDER, ASPIRIN-LIKE; RUNX1 Familial Platelet Disorder with Associated Myeloid Malignancies. Identifiers: Orphanet 71290, MedGen C1832388, MeSH C563324, MONDO:0100083, OMIM 601399.

Allele frequency attached by ClinVar (database versions not stated): TOPMed 0.00001; gnomAD 0.00009 and 0.00010.
gnomAD v4.1: 70 of 1,603,948 alleles (0.0044%); highest among the groups gnomAD compares: Non-Finnish European, 0.00017%; no homozygotes.

Submissions (4):

ClinGen Myeloid Malignancy Variant Curation Expert Panel
Classification: Uncertain significance for Hereditary thrombocytopenia and hematologic cancer predisposition syndrome. Last evaluated: 2022-07-07. Review status: reviewed by expert panel. Criteria: ClinGen MyeloMalig ACMG Specifications v2. Collection method: curation. Allele origin: germline. Inheritance: Autosomal dominant inheritance.
Comment: NM_001754.5(RUNX1):c.1062C>G (p.Thr354=) is a synonymous variant that does not have a REVEL score and SpliceAI score is ≤ 0.20 (0.00) (BP4). In summary, the clinical significance of this variant is uncertain meeting BP4 ACMG/AMP criteria applied, as specified by the Myeloid Malignancy Variant Curation Expert Panel for RUNX1: BP4

Ambry Genetics
Classification: Likely benign for Inborn genetic diseases. Last evaluated: 2026-04-23. Review status: criteria provided, single submitter. Criteria: Ambry Variant Classification Scheme 2023. Collection method: clinical testing. Allele origin: germline. Not counted in ClinVar's aggregate classification.

Labcorp Genetics (formerly Invitae), Labcorp
Classification: Benign for Hereditary thrombocytopenia and hematological cancer predisposition syndrome associated with RUNX1. Last evaluated: 2025-12-01. Review status: criteria provided, single submitter. Criteria: Invitae Variant Classification Sherloc (09022015). Collection method: clinical testing. Allele origin: germline. Not counted in ClinVar's aggregate classification.

St. Jude Molecular Pathology, St. Jude Children's Research Hospital
Classification: Uncertain significance for Hereditary thrombocytopenia and hematological cancer predisposition syndrome associated with RUNX1. Last evaluated: 2024-07-25. Review status: criteria provided, single submitter. Criteria: St. Jude Assertion Criteria 2020. Collection method: clinical testing. Allele origin: germline. Not counted in ClinVar's aggregate classification.
Comment: The RUNX1 c.1062C>G (p.Thr354=) synonymous change has a maximum subpopulation frequency of 0.13% in gnomAD v2.1.1, primarily found in the Finnish population. Algorithms that predict the impact of sequence changes on splicing indicate that this change does not impact splicing, but to our knowledge these predictions have not been confirmed by functional studies. To our knowledge, this variant has not been reported in the literature in individuals with RUNX1-related disease. In summary, the evidence currently available is insufficient to determine the clinical significance of this variant. It has therefore been classified as of uncertain significance.